The following is an entry in ClinVar:

NM_001035.3(RYR2):c.4600G>A (p.Glu1534Lys)

Gene: RYR2 (ryanodine receptor 2; plus strand). Cytogenetic location: 1q43.
Variant type: single nucleotide variant.
Coding change: c.4600G>A on transcript NM_001035.3 (MANE Select); coding-DNA position 4600, G replaced by A.
Protein change: p.Glu1534Lys; replaces glutamic acid 1534 with lysine.
Molecular consequence: missense variant.
Genome position (GRCh38, 1-based): chr1:237,602,028, G>A. VCF-style: chr1-237602028-G-A. GRCh37 (hg19) VCF-style: chr1-237765328-G-A.
Other names: short protein forms E1534K.
Identifiers: ClinVar variation 3070804 (VCV003070804.1), dbSNP rs2546697063, ClinGen allele CA345401526.

ClinVar aggregate classification (germline): Uncertain significance (1 of 4 stars; one submission).

Conditions:
Catecholaminergic polymorphic ventricular tachycardia (CVPT). Also called: Catecholamine-induced polymorphic ventricular tachycardia. Identifiers: Orphanet 3286, MedGen C5574922, MONDO:0017990.

Submission:

All of Us Research Program, National Institutes of Health
Classification: Uncertain significance for Catecholaminergic polymorphic ventricular tachycardia. Last evaluated: 2023-05-04. Review status: criteria provided, single submitter. Criteria: ACMG Guidelines, 2015. Collection method: clinical testing. Allele origin: germline. Inheritance: Autosomal dominant inheritance. Observed: 1 variant allele, 1 heterozygote.
Comment: This missense variant replaces glutamic acid with lysine at codon 1534 of the RYR2 protein. Computational prediction suggests that this variant may have deleterious impact on protein structure and function (internally defined REVEL score threshold >= 0.7, PMID: 27666373). To our knowledge, functional studies have not been reported for this variant. This variant has not been reported in individuals affected with RYR2-related disorders in the literature. This variant has not been identified in the general population by the Genome Aggregation Database (gnomAD). The available evidence is insufficient to determine the role of this variant in disease conclusively. Therefore, this variant is classified as a Variant of Uncertain Significance.

This study involves interpretation of variants in research participants for the purpose of population health screening. Participant phenotype was not available at the time of variant classification. Additional details can be found in publication PMID: 35346344, PMCID: PMC8962531